The following is an entry in ClinVar:

ClinVar aggregate classification (germline): Conflicting classifications of pathogenicity. Review status: criteria provided, conflicting classifications (1 of 4 stars). 8 submissions from 7 submitters: Uncertain significance (5); Likely benign (2). 1 of the submissions does not count toward it. Last evaluated 2026-01-15.

Conditions:
Lethal Kniest-like syndrome (DDSH). Also called: Dyssegmental Dysplasia. Identifiers: Orphanet 1865, MedGen C1857100, MONDO:0009140, OMIM 224410.
Schwartz-Jampel syndrome. Also called: Myotonic myopathy dwarfism chondrodystrophy and ocular and facial abnormalities. Identifiers: Orphanet 800, MedGen C0036391, MONDO:0009717.
HSPG2-related disorder. Also called: HSPG2-related condition; HSPG2-related disorders.

Allele frequency attached by ClinVar (database versions not stated): ESP Exome Variant Server 0.00062; TOPMed 0.00078.
gnomAD v4.1: 1,668 of 1,577,798 alleles (0.11%); highest among the groups gnomAD compares: South Asian, 0.2%; 3 homozygotes.

Submissions (8):

Labcorp Genetics (formerly Invitae), Labcorp
Classification: Likely benign. Last evaluated: 2026-01-15. Review status: criteria provided, single submitter. Criteria: Invitae Variant Classification Sherloc (09022015). Collection method: clinical testing. Allele origin: germline.

CeGaT Center for Human Genetics Tuebingen
Classification: Likely benign. Last evaluated: 2025-12-01. Review status: criteria provided, single submitter. Criteria: CeGaT Center For Human Genetics Tuebingen Variant Classification Criteria Version 2. Collection method: clinical testing. Allele origin: germline. Affected: yes. Observed: 1 variant allele.
Comment: HSPG2: BS2

GeneDx
Classification: Uncertain significance. Last evaluated: 2024-10-31. Review status: criteria provided, single submitter. Criteria: GeneDx Variant Classification Process June 2021. Collection method: clinical testing. Allele origin: germline.
Comment: Identified in a patient with idiopathic scoliosis in published literature (PMID: 25504735); In silico analysis supports that this missense variant has a deleterious effect on protein structure/function; This variant is associated with the following publications: (PMID: 25504735)

Blueprint Genetics
Classification: Uncertain significance. Last evaluated: 2024-10-30. Review status: criteria provided, single submitter. Criteria: ACMG Guidelines, 2015. Collection method: clinical testing. Allele origin: germline.

ARUP Laboratories, Molecular Genetics and Genomics, ARUP Laboratories
Classification: Uncertain significance. Last evaluated: 2020-01-20. Review status: criteria provided, single submitter. Criteria: ARUP Molecular Germline Variant Investigation Process. Collection method: clinical testing. Allele origin: germline.
Comment: The p.Arg4037Leu variant (rs143015575) has been previously identified in a single patient who was part of a cohort diagnosed with idiopathic scoliosis (Baschal 2014). However the exact contribution of this variant to the clinical phenotype of the patient described Baschal (2014) is unclear. This variant is found in the general population with an overall allele frequency of 0.092 % (207/ 224,824 alleles) in the Genome Aggregation Database. The arginine at codon 4037 is moderately conserved, and computational analyses (SIFT: tolerated, PolyPhen-2: probably damaging) predict conflicting effects of this variant on protein structure/function. Due to limited information, the clinical significance of the p.Arg4037Leu variant is uncertain at this time.

Illumina Laboratory Services, Illumina
Classification: Uncertain significance for Schwartz-Jampel syndrome type 1. Last evaluated: 2017-04-27. Review status: criteria provided, single submitter. Criteria: ICSL Variant Classification Criteria 13 December 2019. Collection method: clinical testing. Allele origin: germline.

Illumina Laboratory Services, Illumina
Classification: Uncertain significance for Lethal Kniest-like syndrome. Last evaluated: 2017-04-27. Review status: criteria provided, single submitter. Criteria: ICSL Variant Classification Criteria 13 December 2019. Collection method: clinical testing. Allele origin: germline.

PreventionGenetics, part of Exact Sciences
Classification: Likely benign for HSPG2-related condition. Last evaluated: 2024-06-04. Review status: no assertion criteria provided. Collection method: clinical testing. Allele origin: germline. Not counted in ClinVar's aggregate classification.
Comment: This variant is classified as likely benign based on ACMG/AMP sequence variant interpretation guidelines (Richards et al. 2015 PMID: 25741868, with internal and published modifications).

NM_005529.7(HSPG2):c.12110G>T (p.Arg4037Leu)

Gene: HSPG2 (heparan sulfate proteoglycan 2; minus strand). Cytogenetic location: 1p36.12.
Variant type: single nucleotide variant.
Coding change: c.12110G>T on transcript NM_005529.7 (MANE Select); coding-DNA position 12110, G replaced by T.
Protein change: p.Arg4037Leu; replaces arginine 4037 with leucine.
Molecular consequence: missense variant.
Genome position (GRCh38, 1-based): chr1:21,828,962, C>A on the plus strand (G>T on the coding strand, the complement: HSPG2 is on the minus strand). VCF-style: chr1-21828962-C-A. GRCh37 (hg19) VCF-style: chr1-22155455-C-A.
Other names: c.12113G>T, p.Arg4038Leu (NM_001291860.2); c.12110G>T (NM_005529.6); short protein forms R4038L, R4037L.
Identifiers: ClinVar variation 876568 (VCV000876568.28), dbSNP rs143015575, ClinGen allele CA669518.
Genomic context (GRCh38, chr1:21,828,962, plus strand): 5'-ACACCCCCCAGGTAGAGCAGGGTGTGCAGGTTGAGGCCCTGGCTCTTGCCGGGCGAGGAG[C>A]GCAGCACAGGGCGTCCACCATTCACCCGCAGGCTGCCGTCCTTGTTGAGACGCTCTGCAG-3'
Protein context (NP_005520.4, residues 4027-4047): LRVNGGRPVL[Arg4037Leu]SSPGKSQGLN